The following is an entry in ClinVar:

ClinVar aggregate classification (germline): Uncertain significance (1 of 4 stars; one submission).

Allele frequency attached by ClinVar (database versions not stated): TOPMed below 0.00001; gnomAD exomes 0.00001.
gnomAD v4.1: 8 of 1,613,296 alleles (0.0005%); highest among the groups gnomAD compares: South Asian, 0.0022%; no homozygotes.

Submission:

Labcorp Genetics (formerly Invitae), Labcorp
Classification: Uncertain significance. Last evaluated: 2023-09-11. Review status: criteria provided, single submitter. Criteria: Invitae Variant Classification Sherloc (09022015). Collection method: clinical testing. Allele origin: germline.
Comment: This sequence change replaces proline, which is neutral and non-polar, with serine, which is neutral and polar, at codon 2092 of the COL7A1 protein (p.Pro2092Ser). This variant is not present in population databases (gnomAD no frequency). This variant has not been reported in the literature in individuals affected with COL7A1-related conditions. Advanced modeling of protein sequence and biophysical properties (such as structural, functional, and spatial information, amino acid conservation, physicochemical variation, residue mobility, and thermodynamic stability) performed at Invitae indicates that this missense variant is not expected to disrupt COL7A1 protein function. In summary, the available evidence is currently insufficient to determine the role of this variant in disease. Therefore, it has been classified as a Variant of Uncertain Significance.

NM_000094.4(COL7A1):c.6274C>T (p.Pro2092Ser)

Gene: COL7A1 (collagen type VII alpha 1 chain; minus strand). Cytogenetic location: 3p21.31.
Variant type: single nucleotide variant.
Coding change: c.6274C>T on transcript NM_000094.4 (MANE Select); coding-DNA position 6274, C replaced by T.
Protein change: p.Pro2092Ser; replaces proline 2092 with serine.
Molecular consequence: missense variant.
Genome position (GRCh38, 1-based): chr3:48,575,069, G>A on the plus strand (C>T on the coding strand, the complement: COL7A1 is on the minus strand). VCF-style: chr3-48575069-G-A. GRCh37 (hg19) VCF-style: chr3-48612502-G-A.
Other names: short protein forms P2092S.
Identifiers: ClinVar variation 2739908 (VCV002739908.1), dbSNP rs907238849, ClinGen allele CA73976973.